The following is an entry in ClinVar:

ClinVar aggregate classification (germline): Uncertain significance. Review status: criteria provided, multiple submitters, no conflicts (2 of 4 stars). 3 submissions from 3 submitters: Uncertain significance (3). Last evaluated 2025-08-29.

Conditions:
Inborn genetic diseases. Identifiers: MedGen C0950123, MeSH D030342.

Allele frequency attached by ClinVar (database versions not stated): gnomAD 0.00024; ESP Exome Variant Server 0.00031; gnomAD exomes 0.00056; ExAC 0.00017; TOPMed 0.00028.
gnomAD v4.1: 836 of 1,614,034 alleles (0.052%); highest among the groups gnomAD compares: Non-Finnish European, 0.069%; no homozygotes.

Submissions (3):

Labcorp Genetics (formerly Invitae), Labcorp
Classification: Uncertain significance. Last evaluated: 2025-08-29. Review status: criteria provided, single submitter. Criteria: Invitae Variant Classification Sherloc (09022015). Collection method: clinical testing. Allele origin: germline.
Comment: This sequence change replaces phenylalanine, which is neutral and non-polar, with valine, which is neutral and non-polar, at codon 2276 of the PIEZO2 protein (p.Phe2276Val). This variant is present in population databases (rs144506740, gnomAD 0.05%). This variant has not been reported in the literature in individuals affected with PIEZO2-related conditions. ClinVar contains an entry for this variant (Variation ID: 2404978). Invitae Evidence Modeling of protein sequence and biophysical properties (such as structural, functional, and spatial information, amino acid conservation, physicochemical variation, residue mobility, and thermodynamic stability) indicates that this missense variant is expected to disrupt PIEZO2 protein function with a positive predictive value of 80%. In summary, the available evidence is currently insufficient to determine the role of this variant in disease. Therefore, it has been classified as a Variant of Uncertain Significance.

GeneDx
Classification: Uncertain significance. Last evaluated: 2025-06-24. Review status: criteria provided, single submitter. Criteria: GeneDx Variant Classification Process June 2021. Collection method: clinical testing. Allele origin: germline.
Comment: In silico analysis supports that this missense variant has a deleterious effect on protein structure/function; Has not been previously published as pathogenic or benign to our knowledge

Ambry Genetics
Classification: Uncertain significance for Inborn genetic diseases. Last evaluated: 2021-07-13. Review status: criteria provided, single submitter. Criteria: Ambry Variant Classification Scheme 2023. Collection method: clinical testing. Allele origin: germline.

NM_001378183.1(PIEZO2):c.7165T>G (p.Phe2389Val)

Gene: PIEZO2 (piezo type mechanosensitive ion channel component 2; minus strand). Cytogenetic location: 18p11.22.
Variant type: single nucleotide variant.
Coding change: c.7165T>G on transcript NM_001378183.1 (MANE Select); coding-DNA position 7165, T replaced by G.
Protein change: p.Phe2389Val; replaces phenylalanine 2389 with valine.
Molecular consequence: missense variant.
Genome position (GRCh38, 1-based): chr18:10,696,099, A>C on the plus strand (T>G on the coding strand, the complement: PIEZO2 is on the minus strand). VCF-style: chr18-10696099-A-C. GRCh37 (hg19) VCF-style: chr18-10696097-A-C.
Other names: c.6901T>G, p.Phe2301Val (NM_001410871.1); c.6826T>G, p.Phe2276Val (NM_022068.4); short protein forms F2389V, F2276V, F2301V.
Identifiers: ClinVar variation 2404978 (VCV002404978.5), dbSNP rs144506740, ClinGen allele CA8892072.